The following is an entry in ClinVar:

NM_000188.3(HK1):c.157C>T (p.Arg53Trp)

Gene: HK1 (hexokinase 1; plus strand). Cytogenetic location: 10q22.1.
Variant type: single nucleotide variant.
Coding change: c.157C>T on transcript NM_000188.3 (MANE Select); coding-DNA position 157, C replaced by T.
Protein change: p.Arg53Trp; replaces arginine 53 with tryptophan.
Molecular consequence: missense variant.
Genome position (GRCh38, 1-based): chr10:69,343,920, C>T. VCF-style: chr10-69343920-C-T. GRCh37 (hg19) VCF-style: chr10-71103676-C-T.
Other names: c.169C>T, p.Arg57Trp (NM_001322364.2, NM_001358263.1, NM_033497.3 and 1 more transcripts); c.262C>T, p.Arg88Trp (NM_001322365.2); c.73C>T, p.Arg25Trp (NM_001322366.1); c.157C>T, p.Arg53Trp (NM_001322367.1); c.154C>T, p.Arg52Trp (NM_033496.3); c.121C>T, p.Arg41Trp (NM_033500.2); short protein forms R53W, R25W, R57W, R52W, R41W, R88W.
Identifiers: ClinVar variation 3682717 (VCV003682717.3).

ClinVar aggregate classification (germline): Uncertain significance. Review status: criteria provided, multiple submitters, no conflicts (2 of 4 stars). 2 submissions from 2 submitters: Uncertain significance (2). Last evaluated 2024-07-19.

gnomAD v4.1: 4 of 1,613,918 alleles (0.00025%); highest among the groups gnomAD compares: South Asian, 0.0011%; no homozygotes.

Submissions (2):

Labcorp Genetics (formerly Invitae), Labcorp
Classification: Uncertain significance. Last evaluated: 2024-07-19. Review status: criteria provided, single submitter. Criteria: Invitae Variant Classification Sherloc (09022015). Collection method: clinical testing. Allele origin: germline.
Comment: This sequence change replaces arginine, which is basic and polar, with tryptophan, which is neutral and slightly polar, at codon 53 of the HK1 protein (p.Arg53Trp). This variant is present in population databases (no rsID available, gnomAD 0.003%). This variant has not been reported in the literature in individuals affected with HK1-related conditions. Advanced modeling of protein sequence and biophysical properties (such as structural, functional, and spatial information, amino acid conservation, physicochemical variation, residue mobility, and thermodynamic stability) performed at Invitae indicates that this missense variant is not expected to disrupt HK1 protein function with a negative predictive value of 80%. In summary, the available evidence is currently insufficient to determine the role of this variant in disease. Therefore, it has been classified as a Variant of Uncertain Significance.

Blueprint Genetics
Classification: Uncertain significance. Last evaluated: 2019-07-29. Review status: criteria provided, single submitter. Criteria: ACMG Guidelines, 2015. Collection method: clinical testing. Allele origin: germline.